The following is an entry in ClinVar:

ClinVar aggregate classification (germline): Likely benign (0 of 4 stars; one submission).

Conditions:
CTNND1-related disorder. Also called: CTNND1-related condition.

Allele frequency attached by ClinVar (database versions not stated): gnomAD exomes 0.00002; ExAC 0.00004; gnomAD 0.00006; TOPMed 0.00007; ESP Exome Variant Server 0.00008.
gnomAD v4.1: 46 of 1,613,910 alleles (0.0029%); highest among the groups gnomAD compares: African/African-American, 0.008%; no homozygotes.

Submission:

PreventionGenetics, part of Exact Sciences
Classification: Likely benign for CTNND1-related condition. Last evaluated: 2020-11-23. Review status: no assertion criteria provided. Collection method: clinical testing. Allele origin: germline.
Comment: This variant is classified as likely benign based on ACMG/AMP sequence variant interpretation guidelines (Richards et al. 2015 PMID: 25741868, with internal and published modifications).

NM_001085458.2(CTNND1):c.1086T>C (p.Asn362=)

Genes: CTNND1 (catenin delta 1; plus strand), TMX2-CTNND1 (TMX2-CTNND1 readthrough (NMD candidate); plus strand). Cytogenetic location: 11q12.1.
Variant type: single nucleotide variant.
Coding change: c.1086T>C on transcript NM_001085458.2 (MANE Select); coding-DNA position 1086, T replaced by C.
Protein change: p.Asn362=; no amino-acid change (asparagine 362 retained).
Molecular consequence: synonymous variant. On other transcripts: non-coding transcript variant (1).
Genome position (GRCh38, 1-based): chr11:57,801,862, T>C. VCF-style: chr11-57801862-T-C. GRCh37 (hg19) VCF-style: chr11-57569334-T-C.
Other names: c.1086T>C, p.Asn362= (NM_001085459.2, NM_001085460.2, NM_001085461.2 and 3 more transcripts); c.783T>C, p.Asn261= (NM_001085463.2, NM_001085464.2, NM_001085465.2 and 5 more transcripts); c.924T>C, p.Asn308= (NM_001206883.2, NM_001206884.2, NM_001206886.2 and 4 more transcripts).
Identifiers: ClinVar variation 3058169 (VCV003058169.2), dbSNP rs374531326, ClinGen allele CA6010369.